The following is an entry in ClinVar:

NM_001366145.2(TRPM3):c.2626G>A (p.Glu876Lys)

Gene: TRPM3 (transient receptor potential cation channel subfamily M member 3; minus strand). Cytogenetic location: 9q21.12.
Variant type: single nucleotide variant.
Coding change: c.2626G>A on transcript NM_001366145.2 (MANE Select); coding-DNA position 2626, G replaced by A.
Protein change: p.Glu876Lys; replaces glutamic acid 876 with lysine.
Molecular consequence: missense variant.
Genome position (GRCh38, 1-based): chr9:70,610,650, C>T on the plus strand (G>A on the coding strand, the complement: TRPM3 is on the minus strand). VCF-style: chr9-70610650-C-T. GRCh37 (hg19) VCF-style: chr9-73225566-C-T.
Other names: c.2590G>A, p.Glu864Lys (NM_001007471.4, NM_001366151.2); c.2596G>A, p.Glu866Lys (NM_001366141.2, NM_001366143.2, NM_001366149.2); c.2632G>A, p.Glu878Lys (NM_001366142.2); c.2626G>A, p.Glu876Lys (NM_001366146.2); c.2701G>A, p.Glu901Lys (NM_001366147.2, NM_001366152.2); c.2671G>A, p.Glu891Lys (NM_001366148.2); c.2560G>A, p.Glu854Lys (NM_001366150.2); c.2167G>A, p.Glu723Lys (NM_001366154.2, NM_024971.7); and 5 more; short protein forms E701K, E711K, E713K, E723K, E726K, E736K, E854K, E864K.
Identifiers: ClinVar variation 3364863 (VCV003364863.1).

ClinVar aggregate classification (germline): Uncertain significance (1 of 4 stars; one submission).

Submission:

GeneDx
Classification: Uncertain significance. Last evaluated: 2023-11-22. Review status: criteria provided, single submitter. Criteria: GeneDx Variant Classification Process June 2021. Collection method: clinical testing. Allele origin: germline. Affected: yes.
Comment: Not observed at significant frequency in large population cohorts (gnomAD); In silico analysis supports that this missense variant has a deleterious effect on protein structure/function; Has not been previously published as pathogenic or benign to our knowledge